The following is an entry in ClinVar:

ClinVar aggregate classification (germline): Uncertain significance (1 of 4 stars; one submission).

Submission:

Women's Health and Genetics/Laboratory Corporation of America, LabCorp
Classification: Uncertain significance. Last evaluated: 2023-03-08. Review status: criteria provided, single submitter. Criteria: LabCorp Variant Classification Summary - May 2015. Collection method: clinical testing. Allele origin: germline.
Comment: Variant summary: The variant identified by MLPA or other technology involves the duplication of exon 1 in the TMEM70 gene. A presumed nomenclature of c.(?_-141)_(210+1_211-1)dup has been designated for the purposes of this classification. It has been assumed that this is a tandem duplication in direct orientation (Richardson_GIM_2018, Newman_AJHG_2015). It is not clear which start codon is utilized, therefore it is not possible to predict the consequence of this variant. The variant was absent in 21694 control chromosomes (gnomAD database, Structural Variants Dataset). The available data on variant occurrences in the general population are insufficient to allow any conclusion about variant significance. To our knowledge, no occurrence of c.(?_-141)_(210+1_211-1)dup in individuals affected with Complex V Deficiency, Nuclear Type 2 and no experimental evidence demonstrating its impact on protein function have been reported. No clinical diagnostic laboratories have submitted clinical-significance assessments for this variant to ClinVar after 2014. Based on the evidence outlined above, the variant was classified as uncertain significance.

NC_000008.10:g.(?_74888376)_(74888727_74890990)dup

Gene: TMEM70 (transmembrane protein 70; plus strand). Cytogenetic location: 8q21.11.
Variant type: Duplication.
Identifiers: ClinVar variation 2501228 (VCV002501228.1).